The following is an entry in ClinVar:

ClinVar aggregate classification (germline): Uncertain significance. Review status: criteria provided, multiple submitters, no conflicts (2 of 4 stars). 2 submissions from 2 submitters: Uncertain significance (2). Last evaluated 2024-08-12.

Conditions:
Inborn genetic diseases. Identifiers: MedGen C0950123, MeSH D030342.
Autosomal dominant Parkinson disease 8. Also called: Parkinson disease 8, susceptibility to; LRRK2-Related Parkinson Disease; Parkinson disease 8. Identifiers: Orphanet 411602, MedGen C1846862, MONDO:0011764, OMIM 607060.

Allele frequency attached by ClinVar (database versions not stated): gnomAD exomes below 0.00001 and 0.00001; ExAC 0.00001; gnomAD 0.00001.
gnomAD v4.1: 4 of 1,613,626 alleles (0.00025%); highest among the groups gnomAD compares: Admixed American, 0.0017%; no homozygotes.

Submissions (2):

Ambry Genetics
Classification: Uncertain significance for Inborn genetic diseases. Last evaluated: 2024-08-12. Review status: criteria provided, single submitter. Criteria: Ambry Variant Classification Scheme 2023. Collection method: clinical testing. Allele origin: germline.
Comment: The p.R1412Q variant (also known as c.4235G>A), located in coding exon 30 of the LRRK2 gene, results from a G to A substitution at nucleotide position 4235. The arginine at codon 1412 is replaced by glutamine, an amino acid with highly similar properties. This amino acid position is conserved. In addition, this alteration is predicted to be deleterious by in silico analysis. Since supporting evidence is limited at this time, the clinical significance of this alteration remains unclear.

Victorian Clinical Genetics Services, Murdoch Childrens Research Institute
Classification: Uncertain significance for Autosomal dominant Parkinson disease 8. Last evaluated: 2019-08-28. Review status: criteria provided, single submitter. Criteria: ACMG Guidelines, 2015. Collection method: clinical testing. Allele origin: germline. Inheritance: Autosomal dominant inheritance. Affected: yes.
Comment: A heterozygous missense variant was identified, NM_198578.3(LRRK2):c.4235G>A in exon 30 of 51 of the LRRK2 gene. This substitution is predicted to create a minor amino acid change from arginine to glutamine at position 1412 of the protein, NP_940980.3(LRRK2):p.(Arg1412Gln). The arginine at this position has high conservation (100 vertebrates, UCSC), and is located within the Roc functional domain. In silico software predicts this variant to be disease causing (Polyphen, SIFT, CADD, Mutation Taster). The variant is present in the gnomAD population database at a frequency of 0.00080% (2 heterozygotes). The variant has not been previously reported in a clinical testing setting. Based on information available at the time of curation, this variant has been classified as a VARIANT of UNCERTAIN SIGNIFICANCE (VUS).

NM_198578.4(LRRK2):c.4235G>A (p.Arg1412Gln)

Gene: LRRK2 (leucine rich repeat kinase 2; plus strand). Cytogenetic location: 12q12.
Variant type: single nucleotide variant.
Coding change: c.4235G>A on transcript NM_198578.4 (MANE Select); coding-DNA position 4235, G replaced by A.
Protein change: p.Arg1412Gln; replaces arginine 1412 with glutamine.
Molecular consequence: missense variant.
Genome position (GRCh38, 1-based): chr12:40,309,151, G>A. VCF-style: chr12-40309151-G-A. GRCh37 (hg19) VCF-style: chr12-40702953-G-A.
Other names: short protein forms R1412Q.
Identifiers: ClinVar variation 1699423 (VCV001699423.6), dbSNP rs751263185, ClinGen allele CA6514122.